The following is an entry in ClinVar:

NM_032776.3(JMJD1C):c.112C>T (p.Arg38Ter)

Genes: JMJD1C (jumonji domain containing 1C; minus strand), JMJD1C-AS1 (JMJD1C antisense RNA 1; plus strand). Cytogenetic location: 10q21.3.
Variant type: single nucleotide variant.
Coding change: c.112C>T on transcript NM_032776.3 (MANE Select); coding-DNA position 112, C replaced by T.
Protein change: p.Arg38Ter; replaces arginine 38 with a stop codon.
Molecular consequence: nonsense. On other transcripts: non-coding transcript variant (1), intron variant (2).
Genome position (GRCh38, 1-based): chr10:63,465,551, G>A on the plus strand (C>T on the coding strand, the complement: JMJD1C is on the minus strand). VCF-style: chr10-63465551-G-A. GRCh37 (hg19) VCF-style: chr10-65225311-G-A.
Other names: c.112C>T, p.Arg38Ter (NM_001322252.2); c.-384+56187C>T (NM_001322258.2); c.-379+56187C>T (NM_001318154.2); short protein forms R38*.
Identifiers: ClinVar variation 2989978 (VCV002989978.3), dbSNP rs2494847325, ClinGen allele CA377088250.

ClinVar aggregate classification (germline): Uncertain significance (1 of 4 stars; one submission).

Conditions:
Early Myoclonic Encephalopathy. Identifiers: MedGen C0270855.

Submission:

Labcorp Genetics (formerly Invitae), Labcorp
Classification: Uncertain significance for Early Myoclonic Encephalopathy. Last evaluated: 2023-08-17. Review status: criteria provided, single submitter. Criteria: Invitae Variant Classification Sherloc (09022015). Collection method: clinical testing. Allele origin: germline.
Comment: This sequence change creates a premature translational stop signal (p.Arg38*) in the JMJD1C gene. It is expected to result in an absent or disrupted protein product. However, the current clinical and genetic evidence is not sufficient to establish whether loss-of-function variants in JMJD1C cause disease. This variant is not present in population databases (gnomAD no frequency). This variant has not been reported in the literature in individuals affected with JMJD1C-related conditions. Algorithms developed to predict the effect of sequence changes on RNA splicing suggest that this variant may create or strengthen a splice site. In summary, the available evidence is currently insufficient to determine the role of this variant in disease. Therefore, it has been classified as a Variant of Uncertain Significance.